The following is an entry in ClinVar:

NM_000388.4(CASR):c.1913G>T (p.Arg638Leu)

Gene: CASR (calcium sensing receptor; plus strand). Cytogenetic location: 3q21.1.
Variant type: single nucleotide variant.
Coding change: c.1913G>T on transcript NM_000388.4 (MANE Select); coding-DNA position 1913, G replaced by T.
Protein change: p.Arg638Leu; replaces arginine 638 with leucine.
Molecular consequence: missense variant.
Genome position (GRCh38, 1-based): chr3:122,283,867, G>T. VCF-style: chr3-122283867-G-T. GRCh37 (hg19) VCF-style: chr3-122002714-G-T.
Other names: c.1943G>T, p.Arg648Leu (NM_001178065.2); short protein forms R638L, R648L.
Identifiers: ClinVar variation 265466 (VCV000265466.11), dbSNP rs201852643, ClinGen allele CA10588349.

ClinVar aggregate classification (germline): Conflicting classifications of pathogenicity. Review status: criteria provided, conflicting classifications (1 of 4 stars). 4 submissions from 4 submitters: Pathogenic (2); Likely pathogenic (1); Uncertain significance (1). Last evaluated 2025-10-01.

Conditions:
Familial hypocalciuric hypercalcemia (FHH). Also called: Familial benign hypercalcemia. Identifiers: Orphanet 405, MedGen C1809471, MONDO:0018458.
Autosomal dominant hypocalcemia 1 (HYPOC1). Also called: HYPOCALCEMIA, FAMILIAL. Identifiers: MedGen C3715128, MONDO:0011013, OMIM 601198.
Familial hypocalciuric hypercalcemia 1. Also called: Hypercalcemia, familial benign type 1. Identifiers: Orphanet 405, Orphanet 93372, MedGen C0342637, MONDO:0007791, OMIM 145980.

gnomAD v4.1: 3 of 1,613,802 alleles (0.00019%); highest among the groups gnomAD compares: Non-Finnish European, 0.00025%; no homozygotes.

Submissions (4):

Labcorp Genetics (formerly Invitae), Labcorp
Classification: Pathogenic for Familial hypocalciuric hypercalcemia; Autosomal dominant hypocalcemia 1. Last evaluated: 2025-10-01. Review status: criteria provided, single submitter. Criteria: Invitae Variant Classification Sherloc (09022015). Collection method: clinical testing. Allele origin: germline.
Comment: This sequence change replaces arginine, which is basic and polar, with leucine, which is neutral and non-polar, at codon 638 of the CASR protein (p.Arg638Leu). This variant is present in population databases (no rsID available, gnomAD 0.0009%). This missense change has been observed in individual(s) with familial hypocalciuric hypercalcemia and neonatal severe hyperparathyroidism (PMID: 25828954, 26963950). Invitae Evidence Modeling of clinical and family history, age, sex, and reported ancestry of multiple individuals with this CASR variant has been performed. This variant is expected to be pathogenic with a positive predictive value of at least 99%. This is a validated machine learning model that incorporates the clinical features of 646,172 individuals referred to our laboratory for CASR testing. ClinVar contains an entry for this variant (Variation ID: 265466). An algorithm developed to predict the effect of missense changes on protein structure and function (PolyPhen-2) suggests that this variant is likely to be disruptive. Experimental studies have shown that this missense change affects CASR function (PMID: 19389809). For these reasons, this variant has been classified as Pathogenic.

Women's Health and Genetics/Laboratory Corporation of America, LabCorp
Classification: Uncertain significance. Last evaluated: 2023-06-06. Review status: criteria provided, single submitter. Criteria: LabCorp Variant Classification Summary - May 2015. Collection method: clinical testing. Allele origin: germline.
Comment: Variant summary: CASR c.1913G>T (p.Arg638Leu) results in a non-conservative amino acid change located in the C-terminal cytoplasmic domain (IPR17978) of the encoded protein sequence. Five of five in-silico tools predict a damaging effect of the variant on protein function. The variant allele was found at a frequency of 4e-06 in 251328 control chromosomes( i.e. in 1 carrier) in the gnomAD database (v2.1). The available data on variant occurrences in the general population are insufficient to allow any conclusion about variant significance. At least one publication reported experimental evidence evaluating an impact on protein function, and demonstrated that the variant prevented proper localization of the CASR protein at the plasma membrane, and likely resulted in its degradation in the endoplasmic reticulum (White_2009). The following publications have been ascertained in the context of this evaluation (PMID: 19389809, 26963950, 25828954). Two clinical diagnostic laboratories have submitted clinical-significance assessments for this variant to ClinVar after 2014. One laboratory classified the variant as pathogenic, while the other laboratory classified the variant as uncertain significance. Based on the evidence outlined above, the variant was classified as VUS-possibly pathogenic.

Cardiovascular Genetics Laboratory, PathWest Laboratory Medicine WA - Fiona Stanley Hospital
Classification: Likely pathogenic for Familial hypocalciuric hypercalcemia 1. Last evaluated: 2021-07-30. Review status: criteria provided, single submitter. Criteria: ACMG Guidelines, 2015. Collection method: clinical testing. Allele origin: germline.
Comment: This variant is likely pathogenic for familial hypocalciuric hypercalcaemia (FHH). It occurs within a highly conserved region of the large extracellular domain of the calcium-sensing receptor (CASR). In vitro studies have demonstrated that this variant prevents proper localisation of the CASR protein to the plasma membrane (PMID:19389809).

GeneDx
Classification: Pathogenic. Last evaluated: 2016-05-23. Review status: criteria provided, single submitter. Criteria: GeneDx Variant Classification (06012015). Collection method: clinical testing. Allele origin: germline. Affected: yes.
Comment: The R638L missense variant in the CASR gene has been reported previously in association with calcium homeostasis disorders (D'Souza-Li et al., 2002; Corrado et al., 2015). The variant was not observed in approximately 6,500 individuals of European and African American ancestry in the NHLBI Exome Sequencing Project, indicating it is not a common benign variant in these populations. R638L is a non-conservative amino acid substitution, which is likely to impact secondary protein structure as these residues differ in polarity, charge, size and/or other properties. This substitution occurs at a position that is conserved across species, and in silico analysis predicts this variant is probably damaging to the protein structure/function. Functional studies have shown that R638L prevents proper localization of the CASR protein and results in its degradation (White et al., 2009). Therefore, this variant is pathogenic.

Literature cited by the submitters: PubMed 25828954 (cited by Labcorp Genetics (formerly Invitae), Labcorp and Women's Health and Genetics/Laboratory Corporation of America, LabCorp); PubMed 26963950 (cited by Labcorp Genetics (formerly Invitae), Labcorp and Women's Health and Genetics/Laboratory Corporation of America, LabCorp); PubMed 19389809 (cited by 3 submitters).